The following is an entry in ClinVar:

NM_182961.4(SYNE1):c.17202+9A>G

Genes: SYNE1 (spectrin repeat containing nuclear envelope protein 1; minus strand), LOC126859837 (BRD4-independent group 4 enhancer GRCh37_chr6:152630775-152631974; plus strand). Cytogenetic location: 6q25.2.
Variant type: single nucleotide variant.
Coding change: c.17202+9A>G on transcript NM_182961.4 (MANE Select); 9 bases into the intron after coding-DNA position 17202, A replaced by G.
Molecular consequence: intron variant.
Genome position (GRCh38, 1-based): chr6:152,309,826, T>C on the plus strand (A>G on the coding strand, the complement: SYNE1 is on the minus strand). VCF-style: chr6-152309826-T-C. GRCh37 (hg19) VCF-style: chr6-152630961-T-C.
Other names: c.16989+9A>G (NM_033071.5).
Identifiers: ClinVar variation 3778520 (VCV003778520.7).

ClinVar aggregate classification (germline): Uncertain significance (1 of 4 stars; one submission).

Submission:

CeGaT Center for Human Genetics Tuebingen
Classification: Uncertain significance. Last evaluated: 2025-03-01. Review status: criteria provided, single submitter. Criteria: CeGaT Center For Human Genetics Tuebingen Variant Classification Criteria Version 2. Collection method: clinical testing. Allele origin: germline. Affected: yes. Observed: 1 variant allele.
Comment: SYNE1: PM2, PP3